The following is an entry in ClinVar:

ClinVar aggregate classification (germline): Uncertain significance (1 of 4 stars; one submission).

Conditions:
Arrhythmogenic cardiomyopathy with wooly hair and keratoderma. Also called: PALMOPLANTAR KERATODERMA WITH LEFT VENTRICULAR CARDIOMYOPATHY AND WOOLLY HAIR; Carvajal syndrome; Dilated cardiomyopathy with woolly hair and keratoderma; Arrhythmogenic cardiomyopathy with woolly hair and keratoderma. Identifiers: Orphanet 65282, MedGen C1854063, MONDO:0011581, OMIM 605676.
Arrhythmogenic right ventricular dysplasia 8 (ARVD8). Also called: Arrhythmogenic Right Ventricular Dysplasia/Cardiomyopathy 8; ARRHYTHMOGENIC RIGHT VENTRICULAR DYSPLASIA, FAMILIAL, 8; ARRHYTHMOGENIC RIGHT VENTRICULAR CARDIOMYOPATHY 8. Identifiers: MedGen C1843896, MONDO:0011831, OMIM 607450.

Submission:

Labcorp Genetics (formerly Invitae), Labcorp
Classification: Uncertain significance for Arrhythmogenic cardiomyopathy with wooly hair and keratoderma; Arrhythmogenic right ventricular dysplasia 8. Last evaluated: 2024-10-01. Review status: criteria provided, single submitter. Criteria: Invitae Variant Classification Sherloc (09022015). Collection method: clinical testing. Allele origin: germline.
Comment: This sequence change replaces leucine, which is neutral and non-polar, with proline, which is neutral and non-polar, at codon 1528 of the DSP protein (p.Leu1528Pro). This variant is not present in population databases (gnomAD no frequency). This variant has not been reported in the literature in individuals affected with DSP-related conditions. An algorithm developed to predict the effect of missense changes on protein structure and function (PolyPhen-2) suggests that this variant is likely to be disruptive. In summary, the available evidence is currently insufficient to determine the role of this variant in disease. Therefore, it has been classified as a Variant of Uncertain Significance.

NM_004415.4(DSP):c.4583T>C (p.Leu1528Pro)

Gene: DSP (desmoplakin; plus strand). Cytogenetic location: 6p24.3.
Variant type: single nucleotide variant.
Coding change: c.4583T>C on transcript NM_004415.4 (MANE Select); coding-DNA position 4583, T replaced by C.
Protein change: p.Leu1528Pro; replaces leucine 1528 with proline.
Molecular consequence: missense variant. On other transcripts: intron variant (2).
Genome position (GRCh38, 1-based): chr6:7,580,773, T>C. VCF-style: chr6-7580773-T-C. GRCh37 (hg19) VCF-style: chr6-7581006-T-C.
Other names: c.4050+533T>C (NM_001319034.2); c.3582+1001T>C (NM_001008844.3); short protein forms L1528P.
Identifiers: ClinVar variation 3759325 (VCV003759325.2).